The following is an entry in ClinVar:

ClinVar aggregate classification (germline): Uncertain significance. Review status: criteria provided, multiple submitters, no conflicts (2 of 4 stars). 2 submissions from 2 submitters: Uncertain significance (2). Last evaluated 2024-05-25.

Conditions:
Mucopolysaccharidosis, MPS-III-A (MPS3A). Also called: HEPARAN SULFATE SULFATASE DEFICIENCY; SANFILIPPO SYNDROME A; SULFAMIDASE DEFICIENCY; MUCOPOLYSACCHARIDOSIS, TYPE IIIA, ATTENUATED; Mucopolysaccharidosis, type IIIA; mucopolysaccharidosis type 3A. Identifiers: Orphanet 581, Orphanet 79269, MedGen C0086647, MONDO:0009655, OMIM 252900.

Allele frequency attached by ClinVar (database versions not stated): ExAC 0.00002; TOPMed 0.00002; gnomAD 0.00001; gnomAD exomes 0.00001.

Submissions (2):

Labcorp Genetics (formerly Invitae), Labcorp
Classification: Uncertain significance for Mucopolysaccharidosis, MPS-III-A. Last evaluated: 2024-05-25. Review status: criteria provided, single submitter. Criteria: Invitae Variant Classification Sherloc (09022015). Collection method: clinical testing. Allele origin: germline.
Comment: This sequence change replaces valine, which is neutral and non-polar, with isoleucine, which is neutral and non-polar, at codon 159 of the SGSH protein (p.Val159Ile). This variant is present in population databases (rs755749619, gnomAD 0.007%). This variant has not been reported in the literature in individuals affected with SGSH-related conditions. ClinVar contains an entry for this variant (Variation ID: 2435917). Advanced modeling of protein sequence and biophysical properties (such as structural, functional, and spatial information, amino acid conservation, physicochemical variation, residue mobility, and thermodynamic stability) has been performed at Invitae for this missense variant, however the output from this modeling did not meet the statistical confidence thresholds required to predict the impact of this variant on SGSH protein function. In summary, the available evidence is currently insufficient to determine the role of this variant in disease. Therefore, it has been classified as a Variant of Uncertain Significance.

Revvity Omics, Revvity
Classification: Uncertain significance for Mucopolysaccharidosis, MPS-III-A. Last evaluated: 2020-06-20. Review status: criteria provided, single submitter. Criteria: ACMG Guidelines, 2015. Collection method: clinical testing. Allele origin: germline.

NM_000199.5(SGSH):c.475G>A (p.Val159Ile)

Gene: SGSH (N-sulfoglucosamine sulfohydrolase; minus strand). Cytogenetic location: 17q25.3.
Variant type: single nucleotide variant.
Coding change: c.475G>A on transcript NM_000199.5 (MANE Select); coding-DNA position 475, G replaced by A.
Protein change: p.Val159Ile; replaces valine 159 with isoleucine.
Molecular consequence: missense variant. On other transcripts: non-coding transcript variant (1).
Genome position (GRCh38, 1-based): chr17:80,214,646, C>T on the plus strand (G>A on the coding strand, the complement: SGSH is on the minus strand). VCF-style: chr17-80214646-C-T. GRCh37 (hg19) VCF-style: chr17-78188445-C-T.
Other names: c.475G>A, p.Val159Ile (NM_001352921.3, NM_001352922.2); short protein forms V159I.
Identifiers: ClinVar variation 2435917 (VCV002435917.4), dbSNP rs755749619, ClinGen allele CA8818005.
Genomic context (GRCh38, chr17:80,214,646, plus strand): 5'-GGGGAAGGGGCAGGGGCCCCGACTCATACCGGTCATCCTGAGTCTGCAGGAATTTCCGGA[C>T]GAGCAGCTTAATTCTAGTGATGTTCCGCCCCACCTGGAGGACGGAGCCATTCTCCTCCGT-3'
Protein context (NP_000190.1, residues 149-169): GRNITRIKLL[Val159Ile]RKFLQTQDDR